The following is an entry in ClinVar:

ClinVar aggregate classification (germline): Uncertain significance (1 of 4 stars; one submission).

Conditions:
ITPR1-related disorder. Also called: ITPR1-related condition.

Submission:

PreventionGenetics, part of Exact Sciences
Classification: Uncertain significance for ITPR1-related condition. Last evaluated: 2024-11-13. Review status: criteria provided, single submitter. Criteria: ACMG Guidelines, 2015. Collection method: clinical testing. Allele origin: germline.
Comment: The ITPR1 c.5249_5252delinsTCAT variant is predicted to result in an in-frame deletion and insertion. To our knowledge, this variant has not been reported in the literature or in a large population database (gnomAD), indicating this variant is rare. At this time, the clinical significance of this variant is uncertain due to the absence of conclusive functional and genetic evidence.

NM_001378452.1(ITPR1):c.5438_5441delinsTCAT (p.Ser1813_Asn1814delinsPheIle)

Gene: ITPR1 (inositol 1,4,5-trisphosphate receptor type 1; plus strand). Cytogenetic location: 3p26.1.
Variant type: Indel.
Coding change: c.5438_5441delinsTCAT on transcript NM_001378452.1 (MANE Select); coding-DNA positions 5438 to 5441, CCAA replaced by TCAT.
Protein change: p.Ser1813_Asn1814delinsPheIle.
Molecular consequence: missense variant.
Genome position (GRCh38, 1-based): chr3:4,735,248-4,735,251, CCAA replaced by TCAT. VCF-style: chr3-4735248-CCAA-TCAT. GRCh37 (hg19) VCF-style: chr3-4776932-CCAA-TCAT.
Other names: c.5294_5297delinsTCAT, p.Ser1765_Asn1766delinsPheIle (NM_001099952.4); c.5393_5396delinsTCAT, p.Ser1798_Asn1799delinsPheIle (NM_001168272.2); c.5249_5252delinsTCAT, p.Ser1750_Asn1751delinsPheIle (NM_002222.7).
Identifiers: ClinVar variation 4999204 (VCV004999204.1).